The following is an entry in ClinVar:

ClinVar aggregate classification (germline): Pathogenic (1 of 4 stars; one submission).

Submission:

Cytogenetics Laboratory, University of Washington
Classification: Pathogenic. Last evaluated: 2014-01-17. Review status: criteria provided, single submitter. Criteria: UW Cytogenetics and Genomics Laboratory Policy on CNV Interpretation (5/6/2015). Collection method: clinical testing. Allele origin: unknown. Affected: yes. Observed: 1 variant allele.

GRCh37/hg19 2q37.3(chr2:239873381-243006013)x3

Genes: AGXT (alanine--glyoxylate aminotransferase; plus strand), ANKMY1 (ankyrin repeat and MYND domain containing 1; minus strand), ANO7 (anoctamin 7; plus strand), AQP12A (aquaporin 12A; plus strand), AQP12B (aquaporin 12B; minus strand) and 33 more. Cytogenetic location: 2q37.3.
Variant type: copy number gain.
Change: copy number 3 (three copies instead of two) of chr2:239,873,381-243,006,013 (3.13 Mb, GRCh37 coordinates, 1-based), cytogenetic band 2q37.3.
Identifiers: ClinVar variation 187820 (VCV000187820.4).